The following is an entry in ClinVar:

ClinVar aggregate classification (germline): Uncertain significance (1 of 4 stars; one submission).

Conditions:
Diffuse cerebral and cerebellar atrophy - intractable seizures - progressive microcephaly syndrome. Also called: Microcephaly, progressive, with seizures and cerebral and cerebellar atrophy. Identifiers: Orphanet 404437, MedGen C4014239, MONDO:0014335, OMIM 615760.

gnomAD v4.1: 1 of 1,613,868 alleles (0.000062%); highest among the groups gnomAD compares: Non-Finnish European, 0.000085%; no homozygotes.

Submission:

Labcorp Genetics (formerly Invitae), Labcorp
Classification: Uncertain significance for Diffuse cerebral and cerebellar atrophy - intractable seizures - progressive microcephaly syndrome. Last evaluated: 2019-03-20. Review status: criteria provided, single submitter. Criteria: Invitae Variant Classification Sherloc (09022015). Collection method: clinical testing. Allele origin: germline.
Comment: This sequence change replaces proline with leucine at codon 436 of the QARS protein (p.Pro436Leu). The proline residue is highly conserved and there is a moderate physicochemical difference between proline and leucine. This variant is not present in population databases (ExAC no frequency). This variant has not been reported in the literature in individuals with QARS-related conditions. Algorithms developed to predict the effect of missense changes on protein structure and function (SIFT, PolyPhen-2, Align-GVGD) all suggest that this variant is likely to be disruptive, but these predictions have not been confirmed by published functional studies and their clinical significance is uncertain. In summary, the available evidence is currently insufficient to determine the role of this variant in disease. Therefore, it has been classified as a Variant of Uncertain Significance.

NM_005051.3(QARS1):c.1307C>T (p.Pro436Leu)

Gene: QARS1 (glutaminyl-tRNA synthetase 1; minus strand). Cytogenetic location: 3p21.31.
Variant type: single nucleotide variant.
Coding change: c.1307C>T on transcript NM_005051.3 (MANE Select); coding-DNA position 1307, C replaced by T.
Protein change: p.Pro436Leu; replaces proline 436 with leucine.
Molecular consequence: missense variant. On other transcripts: non-coding transcript variant (1).
Genome position (GRCh38, 1-based): chr3:49,099,842, G>A on the plus strand (C>T on the coding strand, the complement: QARS1 is on the minus strand). VCF-style: chr3-49099842-G-A. GRCh37 (hg19) VCF-style: chr3-49137275-G-A.
Other names: c.1274C>T, p.Pro425Leu (NM_001272073.2); short protein forms P425L, P436L.
Identifiers: ClinVar variation 835978 (VCV000835978.2), dbSNP rs1456791515, ClinGen allele CA352708179.